The following is an entry in ClinVar:

ClinVar aggregate classification (germline): Likely pathogenic (1 of 4 stars; one submission).

Submission:

Mayo Clinic Laboratories, Mayo Clinic
Classification: Likely pathogenic. Last evaluated: 2022-12-05. Review status: criteria provided, single submitter. Criteria: ACMG Guidelines, 2015. Collection method: clinical testing. Allele origin: germline. Observed: 1 variant allele.
Comment: PM2, PVS1

NM_001142864.4(PIEZO1):c.1450_1453del (p.Trp484fs)

Genes: HSALR1 (HSP90AB1 associated lncRNA 1; plus strand), PIEZO1 (piezo type mechanosensitive ion channel component 1 (Er blood group); minus strand). Cytogenetic location: 16q24.3.
Variant type: Deletion.
Coding change: c.1450_1453del on transcript NM_001142864.4 (MANE Select); coding-DNA positions 1450 to 1453, 4 bases deleted (TGGG; older notation c.1450_1453delTGGG).
Protein change: p.Trp484fs; shifts the reading frame from tryptophan 484.
Molecular consequence: frameshift variant.
Genome position (GRCh38, 1-based): chr16:88,736,252-88,736,255, CCCA deleted on the plus strand (TGGG on the coding strand, the reverse complement: PIEZO1 is on the minus strand); deleting any 4 consecutive bases within chr16:88,736,252-88,736,256 gives the same sequence; the c. name uses the placement nearest the transcript's 3' end. VCF-style (leftmost placement, unchanged base first): chr16-88736251-GCCCA-G. GRCh37 (hg19) VCF-style: chr16-88802659-GCCCA-G.
Other names: short protein forms W484fs.
Identifiers: ClinVar variation 2683511 (VCV002683511.1), dbSNP rs1165786308, ClinGen allele CA624449633.
Genomic context (GRCh38, chr16:88,736,251, plus strand): 5'-CCCAGCTGGCGCAGGCTGACGGGGCCCAGGGTGGTGGGCAGCTCAGGGCGCAGGTCCATG[GCCCA>G]CACGTAGCGTAGGCAGCACAGCGTCATCCCATACAGCAGGATGCAGGGCGAGCACAGCAT-3'